The following is an entry in ClinVar:

ClinVar aggregate classification (germline): Uncertain significance (1 of 4 stars; one submission).

Conditions:
Usher syndrome type 3B. Also called: USHER SYNDROME, TYPE IIIB. Identifiers: MedGen C3281066, MONDO:0013788, OMIM 614504.

Allele frequency attached by ClinVar (database versions not stated): gnomAD exomes below 0.00001; ExAC 0.00002.
gnomAD v4.1: 4 of 1,614,226 alleles (0.00025%); highest among the groups gnomAD compares: Non-Finnish European, 0.00034%; no homozygotes.

Submission:

Labcorp Genetics (formerly Invitae), Labcorp
Classification: Uncertain significance for Usher syndrome type 3B. Last evaluated: 2023-05-25. Review status: criteria provided, single submitter. Criteria: Invitae Variant Classification Sherloc (09022015). Collection method: clinical testing. Allele origin: germline.
Comment: Advanced modeling of protein sequence and biophysical properties (such as structural, functional, and spatial information, amino acid conservation, physicochemical variation, residue mobility, and thermodynamic stability) performed at Invitae indicates that this missense variant is not expected to disrupt HARS protein function. This variant has not been reported in the literature in individuals affected with HARS-related conditions. This variant is present in population databases (rs761312210, gnomAD 0.002%). This sequence change replaces glutamine, which is neutral and polar, with proline, which is neutral and non-polar, at codon 469 of the HARS protein (p.Gln469Pro). In summary, the available evidence is currently insufficient to determine the role of this variant in disease. Therefore, it has been classified as a Variant of Uncertain Significance.

NM_002109.6(HARS1):c.1406A>C (p.Gln469Pro)

Gene: HARS1 (histidyl-tRNA synthetase 1; minus strand). Cytogenetic location: 5q31.3.
Variant type: single nucleotide variant.
Coding change: c.1406A>C on transcript NM_002109.6 (MANE Select); coding-DNA position 1406, A replaced by C.
Protein change: p.Gln469Pro; replaces glutamine 469 with proline.
Molecular consequence: missense variant.
Genome position (GRCh38, 1-based): chr5:140,674,731, T>G on the plus strand (A>C on the coding strand, the complement: HARS1 is on the minus strand). VCF-style: chr5-140674731-T-G. GRCh37 (hg19) VCF-style: chr5-140054316-T-G.
Other names: c.1286A>C, p.Gln429Pro (NM_001258040.3); c.1346A>C, p.Gln449Pro (NM_001258041.3); c.1226A>C, p.Gln409Pro (NM_001258042.3); c.1184A>C, p.Gln395Pro (NM_001289092.2); c.1064A>C, p.Gln355Pro (NM_001289093.2); c.1319A>C, p.Gln440Pro (NM_001289094.2); short protein forms Q429P, Q449P, Q469P, Q355P, Q440P, Q395P, Q409P.
Identifiers: ClinVar variation 3017024 (VCV003017024.2), dbSNP rs761312210, ClinGen allele CA3443828.